The following is an entry in ClinVar:

ClinVar aggregate classification (germline): Uncertain significance. Review status: criteria provided, multiple submitters, no conflicts (2 of 4 stars). 2 submissions from 2 submitters: Uncertain significance (2). Last evaluated 2024-04-18.

Conditions:
Familial focal epilepsy with variable foci (FPEVF). Identifiers: Orphanet 98820, MedGen C1858477, MONDO:0020310.

Allele frequency attached by ClinVar (database versions not stated): gnomAD exomes below 0.00001; gnomAD 0.00001; TOPMed 0.00002.
gnomAD v4.1: 5 of 1,614,080 alleles (0.00031%); highest among the groups gnomAD compares: Non-Finnish European, 0.00042%; no homozygotes.

Submissions (2):

GeneDx
Classification: Uncertain significance. Last evaluated: 2024-04-18. Review status: criteria provided, single submitter. Criteria: GeneDx Variant Classification Process June 2021. Collection method: clinical testing. Allele origin: germline. Affected: yes.
Comment: Not observed at significant frequency in large population cohorts (gnomAD); In silico analysis supports that this missense variant has a deleterious effect on protein structure/function; Has not been previously published as pathogenic or benign to our knowledge

Labcorp Genetics (formerly Invitae), Labcorp
Classification: Uncertain significance for Familial focal epilepsy with variable foci. Last evaluated: 2024-03-02. Review status: criteria provided, single submitter. Criteria: Invitae Variant Classification Sherloc (09022015). Collection method: clinical testing. Allele origin: germline.
Comment: This sequence change replaces serine, which is neutral and polar, with cysteine, which is neutral and slightly polar, at codon 157 of the DEPDC5 protein (p.Ser157Cys). This variant is not present in population databases (gnomAD no frequency). This variant has not been reported in the literature in individuals affected with DEPDC5-related conditions. ClinVar contains an entry for this variant (Variation ID: 1497347). Experimental studies and prediction algorithms are not available or were not evaluated, and the functional significance of this variant is currently unknown. In summary, the available evidence is currently insufficient to determine the role of this variant in disease. Therefore, it has been classified as a Variant of Uncertain Significance.

NM_001242896.3(DEPDC5):c.469A>T (p.Ser157Cys)

Gene: DEPDC5 (DEP domain containing 5, GATOR1 subcomplex subunit; plus strand). Cytogenetic location: 22q12.2.
Variant type: single nucleotide variant.
Coding change: c.469A>T on transcript NM_001242896.3 (MANE Select); coding-DNA position 469, A replaced by T.
Protein change: p.Ser157Cys; replaces serine 157 with cysteine.
Molecular consequence: missense variant. On other transcripts: non-coding transcript variant (5).
Genome position (GRCh38, 1-based): chr22:31,778,154, A>T. VCF-style: chr22-31778154-A-T. GRCh37 (hg19) VCF-style: chr22-32174140-A-T.
Other names: c.469A>T, p.Ser157Cys (NM_001364320.2, NM_001369903.1, NM_014662.6 and 7 more transcripts); c.385A>T, p.Ser129Cys (NM_001369901.1, NM_001369902.1); c.469A>T (NM_001242896.1); short protein forms S157C, S129C.
Identifiers: ClinVar variation 1497347 (VCV001497347.7), dbSNP rs201225084, ClinGen allele CA323336296.
Genomic context (GRCh38, chr22:31,778,154, plus strand): 5'-TTCAGAGCACAGGCTGGTGAACTGTGGGTTAAGAATGAGAAGGTCATGTGTGGCTACATC[A>T]GTGAAGATACCAGGGTAAGATTTATAAAATGCTTTTTTGGTTTTATCTCTCCATACTATT-3'
Protein context (NP_001229825.1, residues 147-167): KNEKVMCGYI[Ser157Cys]EDTRVVFRST